The following is an entry in ClinVar:

ClinVar aggregate classification (germline): Benign (0 of 4 stars; one submission).

Conditions:
DAAM1-related disorder. Also called: DAAM1-related condition.

Allele frequency attached by ClinVar (database versions not stated): 1000 Genomes Project 30x 0.02826; 1000 Genomes Project 0.02935; TOPMed 0.05739; gnomAD 0.06284; ESP Exome Variant Server 0.06543; ExAC 0.07183; gnomAD exomes 0.08025.
gnomAD v4.1: 126,421 of 1,613,482 alleles (7.8%); highest among the groups gnomAD compares: Non-Finnish European, 9%; 5,507 homozygotes.

Submission:

PreventionGenetics, part of Exact Sciences
Classification: Benign for DAAM1-related condition. Last evaluated: 2019-10-30. Review status: no assertion criteria provided. Collection method: clinical testing. Allele origin: germline.
Comment: This variant is classified as benign based on ACMG/AMP sequence variant interpretation guidelines (Richards et al. 2015 PMID: 25741868, with internal and published modifications).

NM_001270520.2(DAAM1):c.723G>T (p.Leu241=)

Gene: DAAM1 (dishevelled associated activator of morphogenesis 1; plus strand). Cytogenetic location: 14q23.1.
Variant type: single nucleotide variant.
Coding change: c.723G>T on transcript NM_001270520.2 (MANE Select); coding-DNA position 723, G replaced by T.
Protein change: p.Leu241=; no amino-acid change (leucine 241 retained).
Molecular consequence: synonymous variant.
Genome position (GRCh38, 1-based): chr14:59,323,174, G>T. VCF-style: chr14-59323174-G-T. GRCh37 (hg19) VCF-style: chr14-59789892-G-T.
Other names: c.723G>T, p.Leu241= (NM_014992.2).
Identifiers: ClinVar variation 3056313 (VCV003056313.2), dbSNP rs17096074, ClinGen allele CA7207306.
Genomic context (GRCh38, chr14:59,323,174, plus strand): 5'-GGCCGTGCTGGAAATCTTGGGCGCCGTGTGCCTGGTTCCCGGGGGCCACAAGAAGGTTCT[G>T]CAGGCCATGCTGCACTACCAGAAGTATGCCAGCGAAAGGACCCGCTTTCAGGTGGGTGTT-3'
Protein context (NP_001257449.1, residues 231-251): CLVPGGHKKV[Leu241=]QAMLHYQKYA